The following is an entry in ClinVar:

ClinVar aggregate classification (germline): Uncertain significance. Review status: criteria provided, multiple submitters, no conflicts (2 of 4 stars). 2 submissions from 2 submitters: Uncertain significance (2). Last evaluated 2021-12-14.

Conditions:
Kabuki syndrome. Also called: NIIKAWA-KUROKI SYNDROME; Kabuki make-up syndrome. Identifiers: Orphanet 2322, MedGen C0796004, MONDO:0016512.

Submissions (2):

Blueprint Genetics
Classification: Uncertain significance. Last evaluated: 2021-12-14. Review status: criteria provided, single submitter. Criteria: ACMG Guidelines, 2015. Collection method: clinical testing. Allele origin: germline.

Labcorp Genetics (formerly Invitae), Labcorp
Classification: Uncertain significance for Kabuki syndrome. Last evaluated: 2021-09-25. Review status: criteria provided, single submitter. Criteria: Invitae Variant Classification Sherloc (09022015). Collection method: clinical testing. Allele origin: germline.
Comment: This sequence change replaces glutamine with glutamic acid at codon 5365 of the KMT2D protein (p.Gln5365Glu). The glutamine residue is moderately conserved and there is a small physicochemical difference between glutamine and glutamic acid. This variant is not present in population databases (ExAC no frequency). This variant has not been reported in the literature in individuals affected with KMT2D-related conditions. This missense change has been observed in at least one individual who was not affected with KMT2D-related conditions (Invitae). Algorithms developed to predict the effect of missense changes on protein structure and function are either unavailable or do not agree on the potential impact of this missense change (SIFT: "Tolerated"; PolyPhen-2: "Not Available"; Align-GVGD: "Class C0"). In summary, the available evidence is currently insufficient to determine the role of this variant in disease. Therefore, it has been classified as a Variant of Uncertain Significance.

NM_003482.4(KMT2D):c.16093C>G (p.Gln5365Glu)

Gene: KMT2D (lysine methyltransferase 2D; minus strand). Cytogenetic location: 12q13.12.
Variant type: single nucleotide variant.
Coding change: c.16093C>G on transcript NM_003482.4 (MANE Select); coding-DNA position 16093, C replaced by G.
Protein change: p.Gln5365Glu; replaces glutamine 5365 with glutamic acid.
Molecular consequence: missense variant.
Genome position (GRCh38, 1-based): chr12:49,022,835, G>C on the plus strand (C>G on the coding strand, the complement: KMT2D is on the minus strand). VCF-style: chr12-49022835-G-C. GRCh37 (hg19) VCF-style: chr12-49416618-G-C.
Other names: short protein forms Q5365E.
Identifiers: ClinVar variation 1484618 (VCV001484618.7), dbSNP rs2137707688, ClinGen allele CA384679239.